The following is an entry in ClinVar:

NM_001008537.3(NEXMIF):c.685G>T (p.Asp229Tyr)

Gene: NEXMIF (neurite extension and migration factor; minus strand). Cytogenetic location: Xq13.3.
Variant type: single nucleotide variant.
Coding change: c.685G>T on transcript NM_001008537.3 (MANE Select); coding-DNA position 685, G replaced by T.
Protein change: p.Asp229Tyr; replaces aspartic acid 229 with tyrosine.
Molecular consequence: missense variant.
Genome position (GRCh38, 1-based): chrX:74,743,872, C>A on the plus strand (G>T on the coding strand, the complement: NEXMIF is on the minus strand). VCF-style: chrX-74743872-C-A. GRCh37 (hg19) VCF-style: chrX-73963707-C-A.
Other names: c.685G>T (NM_001008537.2); short protein forms D229Y.
Identifiers: ClinVar variation 1047354 (VCV001047354.15), dbSNP rs139459124, ClinGen allele CA331301807.

ClinVar aggregate classification (germline): Conflicting classifications of pathogenicity. Review status: criteria provided, conflicting classifications (1 of 4 stars). 4 submissions from 4 submitters: Uncertain significance (2); Benign (1); Likely benign (1). Last evaluated 2024-12-09.

Conditions:
X-linked intellectual disability, Cantagrel type (XLID98). Also called: INTELLECTUAL DEVELOPMENTAL DISORDER, X-LINKED 98. Identifiers: Orphanet 85277, MedGen C3806730, MONDO:0010483, OMIM 300912.

Allele frequency attached by ClinVar (database versions not stated): gnomAD exomes 0.00002; TOPMed 0.00003; gnomAD 0.00008; ESP Exome Variant Server 0.00009.
gnomAD v4.1: 11 of 1,209,513 alleles (0.00091%); highest among the groups gnomAD compares: African/African-American, 0.012%; no homozygotes.

Submissions (4):

Labcorp Genetics (formerly Invitae), Labcorp
Classification: Uncertain significance. Last evaluated: 2024-12-09. Review status: criteria provided, single submitter. Criteria: Invitae Variant Classification Sherloc (09022015). Collection method: clinical testing. Allele origin: germline.
Comment: This sequence change replaces aspartic acid, which is acidic and polar, with tyrosine, which is neutral and polar, at codon 229 of the NEXMIF protein (p.Asp229Tyr). This variant is present in population databases (rs139459124, gnomAD 0.02%), including at least one homozygous and/or hemizygous individual. This variant has not been reported in the literature in individuals affected with NEXMIF-related conditions. ClinVar contains an entry for this variant (Variation ID: 1047354). An algorithm developed to predict the effect of missense changes on protein structure and function (PolyPhen-2) suggests that this variant is likely to be disruptive. In summary, the available evidence is currently insufficient to determine the role of this variant in disease. Therefore, it has been classified as a Variant of Uncertain Significance.

Ambry Genetics
Classification: Likely benign. Last evaluated: 2024-09-10. Review status: criteria provided, single submitter. Criteria: Ambry Variant Classification Scheme 2023. Collection method: clinical testing. Allele origin: germline.

New York Genome Center
Classification: Uncertain significance for X-linked intellectual disability, Cantagrel type. Last evaluated: 2021-01-22. Review status: criteria provided, single submitter. Criteria: NYGC Assertion Criteria 2020. Collection method: clinical testing. Allele origin: inherited. Observed: 1 hemizygote. Study: CSER-NYCKidSeq.

GeneDx
Classification: Benign. Last evaluated: 2020-03-11. Review status: criteria provided, single submitter. Criteria: GeneDx Variant Classification Process June 2021. Collection method: clinical testing. Allele origin: germline. Affected: yes.
Comment: In silico analysis supports that this missense variant has a deleterious effect on protein structure/function; Has not been previously published as pathogenic or benign to our knowledge